The following is an entry in ClinVar:

ClinVar aggregate classification (germline): Uncertain significance (1 of 4 stars; one submission).

Submission:

Labcorp Genetics (formerly Invitae), Labcorp
Classification: Uncertain significance. Last evaluated: 2022-08-21. Review status: criteria provided, single submitter. Criteria: Invitae Variant Classification Sherloc (09022015). Collection method: clinical testing. Allele origin: germline.
Comment: This sequence change replaces serine, which is neutral and polar, with arginine, which is basic and polar, at codon 220 of the OCA2 protein (p.Ser220Arg). This variant is not present in population databases (gnomAD no frequency). This variant has not been reported in the literature in individuals affected with OCA2-related conditions. Advanced modeling of protein sequence and biophysical properties (such as structural, functional, and spatial information, amino acid conservation, physicochemical variation, residue mobility, and thermodynamic stability) performed at Invitae indicates that this missense variant is not expected to disrupt OCA2 protein function. In summary, the available evidence is currently insufficient to determine the role of this variant in disease. Therefore, it has been classified as a Variant of Uncertain Significance.

NM_000275.3(OCA2):c.660C>G (p.Ser220Arg)

Gene: OCA2 (OCA2 melanosomal transmembrane protein; minus strand). Cytogenetic location: 15q13.1.
Variant type: single nucleotide variant.
Coding change: c.660C>G on transcript NM_000275.3 (MANE Select); coding-DNA position 660, C replaced by G.
Protein change: p.Ser220Arg; replaces serine 220 with arginine.
Molecular consequence: missense variant.
Genome position (GRCh38, 1-based): chr15:28,018,544, G>C on the plus strand (C>G on the coding strand, the complement: OCA2 is on the minus strand). VCF-style: chr15-28018544-G-C. GRCh37 (hg19) VCF-style: chr15-28263690-G-C.
Other names: c.660C>G, p.Ser220Arg (NM_001300984.2); short protein forms S220R.
Identifiers: ClinVar variation 1717278 (VCV001717278.3), dbSNP rs2548453838, ClinGen allele CA391366472.